The following is an entry in ClinVar:

ClinVar aggregate classification (germline): Likely pathogenic (1 of 4 stars; one submission).

Conditions:
Ellis-van Creveld syndrome (EVC). Also called: EVC-Related Ellis-van Creveld Syndrome; EVC2-Related Ellis-van Creveld Syndrome; MESOECTODERMAL DYSPLASIA; Chondroectodermal dysplasia. Identifiers: Orphanet 289, MedGen C0013903, MONDO:0009162, OMIM 225500.

Submission:

Myriad Genetics, Inc.
Classification: Likely pathogenic for Ellis-van Creveld syndrome. Last evaluated: 2022-05-04. Review status: criteria provided, single submitter. Criteria: Myriad Women's Health Autosomal Recessive and X-Linked Classification Criteria (2021). Collection method: clinical testing. Allele origin: unknown.
Comment: NM_147127.4(EVC2):c.1186G>T(E396*) is expected to be pathogenic in the context of EVC2-related Ellis-van Creveld syndrome. This variant is predicted to lead to an abnormal or absent protein product due to the creation of a premature termination codon in EVC2, a gene where loss-of-function variants are known to be pathogenic. Please note: this variant was assessed in the context of healthy population screening.

NM_147127.5(EVC2):c.1186G>T (p.Glu396Ter)

Genes: EVC2 (EvC ciliary complex subunit 2; minus strand), LOC126806961 (BRD4-independent group 4 enhancer GRCh37_chr4:5641443-5642642; plus strand). Cytogenetic location: 4p16.2.
Variant type: single nucleotide variant.
Coding change: c.1186G>T on transcript NM_147127.5 (MANE Select); coding-DNA position 1186, G replaced by T.
Protein change: p.Glu396Ter; replaces glutamic acid 396 with a stop codon.
Molecular consequence: nonsense.
Genome position (GRCh38, 1-based): chr4:5,640,798, C>A on the plus strand (G>T on the coding strand, the complement: EVC2 is on the minus strand). VCF-style: chr4-5640798-C-A. GRCh37 (hg19) VCF-style: chr4-5642525-C-A.
Other names: c.946G>T, p.Glu316Ter (NM_001166136.2); short protein forms E316*, E396*.
Identifiers: ClinVar variation 1726017 (VCV001726017.2), dbSNP rs2108864342, ClinGen allele CA356152455.